The following is an entry in ClinVar:

ClinVar aggregate classification (germline): Uncertain significance (1 of 4 stars; one submission).

Submission:

Women's Health and Genetics/Laboratory Corporation of America, LabCorp
Classification: Uncertain significance. Last evaluated: 2024-04-23. Review status: criteria provided, single submitter. Criteria: LabCorp Variant Classification Summary - May 2015. Collection method: clinical testing. Allele origin: germline.
Comment: Variant summary: PRR12 c.4061G>T (p.Gly1354Val) results in a non-conservative amino acid change in the encoded protein sequence. Four of five in-silico tools predict a damaging effect of the variant on protein function. The variant was absent in 244456 control chromosomes (gnomAD). The available data on variant occurrences in the general population are insufficient to allow any conclusion about variant significance. To our knowledge, no occurrence of c.4061G>T in individuals affected with Neuroocular Syndrome and no experimental evidence demonstrating its impact on protein function have been reported. No submitters have cited clinical-significance assessments for this variant to ClinVar. Based on the evidence outlined above, the variant was classified as uncertain significance.

NM_020719.3(PRR12):c.4061G>T (p.Gly1354Val)

Gene: PRR12 (proline rich 12; plus strand). Cytogenetic location: 19q13.33.
Variant type: single nucleotide variant.
Coding change: c.4061G>T on transcript NM_020719.3 (MANE Select); coding-DNA position 4061, G replaced by T.
Protein change: p.Gly1354Val; replaces glycine 1354 with valine.
Molecular consequence: missense variant.
Genome position (GRCh38, 1-based): chr19:49,599,654, G>T. VCF-style: chr19-49599654-G-T. GRCh37 (hg19) VCF-style: chr19-50102911-G-T.
Other names: short protein forms G1354V.
Identifiers: ClinVar variation 3251777 (VCV003251777.1), dbSNP rs2514277818.
Genomic context (GRCh38, chr19:49,599,654, plus strand): 5'-ATCCCCCACCTTCCGGAGCCTTTGGGCTTGGGGGCGCCCTGGAGGCTGCAGAGAGTGAGG[G>T]TCTGGGGCTTGGCTGCCCTTCACCCTGCAAGCGGCTTGATGAGGAGCTGAAGCGGAACCT-3'
Protein context (NP_065770.1, residues 1344-1364): GGALEAAESE[Gly1354Val]LGLGCPSPCK